The following is an entry in ClinVar:

NM_000492.4(CFTR):c.913T>C (p.Phe305Leu)

Gene: CFTR (CF transmembrane conductance regulator; plus strand). Cytogenetic location: 7q31.2.
Variant type: single nucleotide variant.
Coding change: c.913T>C on transcript NM_000492.4 (MANE Select); coding-DNA position 913, T replaced by C.
Protein change: p.Phe305Leu; replaces phenylalanine 305 with leucine.
Molecular consequence: missense variant.
Genome position (GRCh38, 1-based): chr7:117,540,143, T>C. VCF-style: chr7-117540143-T-C. GRCh37 (hg19) VCF-style: chr7-117180197-T-C.
Other names: short protein forms F305L.
Identifiers: ClinVar variation 4649360 (VCV004649360.1).
Genomic context (GRCh38, chr7:117,540,143, plus strand): 5'-GTTATTGTTTTTTATAGAACAGAACTGAAACTGACTCGGAAGGCAGCCTATGTGAGATAC[T>C]TCAATAGCTCAGCCTTCTTCTTCTCAGGGTTCTTTGTGGTGTTTTTATCTGTGCTTCCCT-3'
Protein context (NP_000483.3, residues 295-315): LTRKAAYVRY[Phe305Leu]NSSAFFFSGF

ClinVar aggregate classification (germline): Uncertain significance (1 of 4 stars; one submission).

Conditions:
Cystic fibrosis (CF). Also called: MUCOVISCIDOSIS. Identifiers: Orphanet 586, MedGen C0010674, MONDO:0009061, OMIM 219700. Disease mechanism: loss of function.

Submission:

Ambry Genetics
Classification: Uncertain significance for Cystic fibrosis. Last evaluated: 2025-11-06. Review status: criteria provided, single submitter. Criteria: Ambry Variant Classification Scheme 2023. Collection method: clinical testing. Allele origin: germline.
Comment: The p.F305L variant (also known as c.913T>C), located in coding exon 8 of the CFTR gene, results from a T to C substitution at nucleotide position 913. The phenylalanine at codon 305 is replaced by leucine, an amino acid with highly similar properties. This amino acid position is well conserved in available vertebrate species. In addition, the in silico prediction for this alteration is inconclusive. Based on the available evidence, the clinical significance of this variant remains unclear.